The following is an entry in ClinVar:

ClinVar aggregate classification (germline): Uncertain significance (1 of 4 stars; one submission).

Conditions:
Hereditary antithrombin deficiency (AT3D). Also called: Antithrombin III deficiency; Thrombophilia due to antithrombin III deficiency; Antithrombin deficiency; Reduced antithrombin III activity. Identifiers: Orphanet 82, MedGen C0272375, MONDO:0013144, OMIM 613118, HP:0001976.

Allele frequency attached by ClinVar (database versions not stated): gnomAD 0.00001; gnomAD exomes 0.00002 and 0.00007; TOPMed 0.00004; ExAC 0.00006.

Submission:

Labcorp Genetics (formerly Invitae), Labcorp
Classification: Uncertain significance for Hereditary antithrombin deficiency. Last evaluated: 2025-07-13. Review status: criteria provided, single submitter. Criteria: Invitae Variant Classification Sherloc (09022015). Collection method: clinical testing. Allele origin: germline.
Comment: This sequence change replaces isoleucine, which is neutral and non-polar, with threonine, which is neutral and polar, at codon 239 of the SERPINC1 protein (p.Ile239Thr). This variant is present in population databases (rs749510661, gnomAD 0.04%). This missense change has been observed in individual(s) with antithrombin deficiency (PMID: 28743742). This variant is also known as I207T. ClinVar contains an entry for this variant (Variation ID: 237851). Invitae Evidence Modeling of protein sequence and biophysical properties (such as structural, functional, and spatial information, amino acid conservation, physicochemical variation, residue mobility, and thermodynamic stability) indicates that this missense variant is expected to disrupt SERPINC1 protein function with a positive predictive value of 95%. Experimental studies have shown that this missense change affects SERPINC1 function (PMID: 28743742). In summary, the available evidence is currently insufficient to determine the role of this variant in disease. Therefore, it has been classified as a Variant of Uncertain Significance.

Literature cited by the submitters: PubMed 28743742.

NM_000488.4(SERPINC1):c.716T>C (p.Ile239Thr)

Gene: SERPINC1 (serpin family C member 1; minus strand). Cytogenetic location: 1q25.1.
Variant type: single nucleotide variant.
Coding change: c.716T>C on transcript NM_000488.4 (MANE Select); coding-DNA position 716, T replaced by C.
Protein change: p.Ile239Thr; replaces isoleucine 239 with threonine.
Molecular consequence: missense variant.
Genome position (GRCh38, 1-based): chr1:173,910,800, A>G on the plus strand (T>C on the coding strand, the complement: SERPINC1 is on the minus strand). VCF-style: chr1-173910800-A-G. GRCh37 (hg19) VCF-style: chr1-173879938-A-G.
Other names: c.572T>C, p.Ile191Thr (NM_001365052.2); c.716T>C, p.Ile239Thr (NM_001386302.1, NM_001386304.1, NM_001386305.1); c.797T>C, p.Ile266Thr (NM_001386303.1); c.500T>C, p.Ile167Thr (NM_001386306.1); short protein forms I239T, I191T, I167T, I266T.
Identifiers: ClinVar variation 237851 (VCV000237851.5), dbSNP rs749510661, ClinGen allele CA1251358.